The following is an entry in ClinVar:

NM_001267550.2(TTN):c.82111G>A (p.Gly27371Arg)

Genes: TTN (titin; minus strand), TTN-AS1 (TTN antisense RNA 1; plus strand). Cytogenetic location: 2q31.2.
Variant type: single nucleotide variant.
Coding change: c.82111G>A on transcript NM_001267550.2 (MANE Select); coding-DNA position 82111, G replaced by A.
Protein change: p.Gly27371Arg; replaces glycine 27371 with arginine.
Molecular consequence: missense variant.
Genome position (GRCh38, 1-based): chr2:178,564,021, C>T on the plus strand (G>A on the coding strand, the complement: TTN is on the minus strand). VCF-style: chr2-178564021-C-T. GRCh37 (hg19) VCF-style: chr2-179428748-C-T.
Other names: c.77188G>A, p.Gly25730Arg (NM_001256850.1); c.54916G>A, p.Gly18306Arg (NM_003319.4); c.74407G>A, p.Gly24803Arg (NM_133378.4); c.55291G>A, p.Gly18431Arg (NM_133432.3); c.55492G>A, p.Gly18498Arg (NM_133437.4); short protein forms G18306R, G18431R, G18498R, G24803R, G25730R, G27371R.
Identifiers: ClinVar variation 3026448 (VCV003026448.22), dbSNP rs1019913774, ClinGen allele CA60987311.

ClinVar aggregate classification (germline): Uncertain significance (1 of 4 stars; one submission).

Allele frequency attached by ClinVar (database versions not stated): TOPMed below 0.00001; gnomAD 0.00001.
gnomAD v4.1: 1 of 1,613,616 alleles (0.000062%); highest among the groups gnomAD compares: African/African-American, 0.0013%; no homozygotes.

Submission:

CeGaT Center for Human Genetics Tuebingen
Classification: Uncertain significance. Last evaluated: 2024-01-01. Review status: criteria provided, single submitter. Criteria: CeGaT Center For Human Genetics Tuebingen Variant Classification Criteria Version 2. Collection method: clinical testing. Allele origin: germline. Affected: yes. Observed: 1 variant allele.
Comment: TTN: PM2